The following is an entry in ClinVar:

NM_001270.4(CHD1):c.-11AAT[1]

Gene: CHD1 (chromodomain helicase DNA binding protein 1; minus strand). Cytogenetic location: 5q21.1.
Variant type: Microsatellite.
Coding change: c.-11AAT[1] on transcript NM_001270.4 (MANE Select); one copy of the 3-base unit AAT starting at c.-11; the reference has two copies in a row; one copy, 3 bases deleted.
Molecular consequence: 5 prime UTR variant. On other transcripts: non-coding transcript variant (2).
Genome position (GRCh38, 1-based): chr5:98,926,392-98,926,394, ATT deleted on the plus strand (AAT on the coding strand, the reverse complement: CHD1 is on the minus strand); deleting any 3 consecutive bases within chr5:98,926,392-98,926,399 gives the same sequence; the position shown is the placement nearest the transcript's 3' end. VCF-style (leftmost placement, unchanged base first): chr5-98926391-AATT-A. GRCh37 (hg19) VCF-style: chr5-98262095-AATT-A.
Other names: c.-11AAT[1] (NM_001364113.3, NM_001376194.2); c.-8_-6delAAT (NM_001270.4).
Identifiers: ClinVar variation 3339210 (VCV003339210.1).

ClinVar aggregate classification (germline): Uncertain significance (1 of 4 stars; one submission).

Submission:

Women's Health and Genetics/Laboratory Corporation of America, LabCorp
Classification: Uncertain significance. Last evaluated: 2024-07-02. Review status: criteria provided, single submitter. Criteria: LabCorp Variant Classification Summary - May 2015. Collection method: clinical testing. Allele origin: germline.
Comment: Variant summary: CHD1 c.-8_-6delAAT is located in the untranslated mRNA region upstream of the initiation codon. Consensus agreement among computation tools predict no significant impact on normal splicing. However, these predictions have yet to be confirmed by functional studies. The variant allele was found at a frequency of 1.1e-05 in 181990 control chromosomes (gnomAD v2.1). The available data on variant occurrences in the general population are insufficient to allow any conclusion about variant significance. To our knowledge, no occurrence of c.-8_-6delAAT in individuals affected with Pilarowski-Bjornsson Syndrome and no experimental evidence demonstrating its impact on protein function have been reported. No submitters have cited clinical-significance assessments for this variant to ClinVar. Based on the evidence outlined above, the variant was classified as uncertain significance.